The following is an entry in ClinVar:

NM_000289.6(PFKM):c.551G>A (p.Arg184Gln)

Gene: PFKM (phosphofructokinase, muscle; plus strand). Cytogenetic location: 12q13.11.
Variant type: single nucleotide variant.
Coding change: c.551G>A on transcript NM_000289.6 (MANE Select); coding-DNA position 551, G replaced by A.
Protein change: p.Arg184Gln; replaces arginine 184 with glutamine.
Molecular consequence: missense variant. On other transcripts: non-coding transcript variant (6).
Genome position (GRCh38, 1-based): chr12:48,133,438, G>A. VCF-style: chr12-48133438-G-A. GRCh37 (hg19) VCF-style: chr12-48527221-G-A.
Other names: c.764G>A, p.Arg255Gln (NM_001166686.2, NM_001354737.1, NM_001354738.1 and 1 more transcripts); c.551G>A, p.Arg184Gln (NM_001166687.2, NM_001166688.2, NM_001354742.2 and 4 more transcripts); c.860G>A, p.Arg287Gln (NM_001354735.1, NM_001354736.1); c.695G>A, p.Arg232Gln (NM_001354740.1); c.575G>A, p.Arg192Gln (NM_001354741.2); c.464G>A, p.Arg155Gln (NM_001354745.2); c.401G>A, p.Arg134Gln (NM_001354747.2, NM_001354748.2); short protein forms R134Q, R287Q, R155Q, R184Q, R192Q, R255Q, R232Q.
Identifiers: ClinVar variation 2157392 (VCV002157392.3), dbSNP rs149825847, ClinGen allele CA236510349.

ClinVar aggregate classification (germline): Uncertain significance (1 of 4 stars; one submission).

Conditions:
Glycogen storage disease, type VII (GSD7). Also called: GSD VII; TARUI DISEASE; MUSCLE PHOSPHOFRUCTOKINASE DEFICIENCY; PFKM DEFICIENCY. Identifiers: Orphanet 371, MedGen C0017926, MONDO:0009295, OMIM 232800.

Allele frequency attached by ClinVar (database versions not stated): gnomAD exomes below 0.00001; TOPMed below 0.00001; gnomAD 0.00001; ESP Exome Variant Server 0.00008.
gnomAD v4.1: 8 of 1,613,990 alleles (0.0005%); highest among the groups gnomAD compares: Admixed American, 0.0017%; no homozygotes.

Submission:

Labcorp Genetics (formerly Invitae), Labcorp
Classification: Uncertain significance for Glycogen storage disease, type VII. Last evaluated: 2022-09-27. Review status: criteria provided, single submitter. Criteria: Invitae Variant Classification Sherloc (09022015). Collection method: clinical testing. Allele origin: germline.
Comment: This sequence change replaces arginine, which is basic and polar, with glutamine, which is neutral and polar, at codon 184 of the PFKM protein (p.Arg184Gln). This variant is present in population databases (rs149825847, gnomAD 0.006%). This variant has not been reported in the literature in individuals affected with PFKM-related conditions. Advanced modeling of protein sequence and biophysical properties (such as structural, functional, and spatial information, amino acid conservation, physicochemical variation, residue mobility, and thermodynamic stability) performed at Invitae indicates that this missense variant is expected to disrupt PFKM protein function. Algorithms developed to predict the effect of sequence changes on RNA splicing suggest that this variant may create or strengthen a splice site. In summary, the available evidence is currently insufficient to determine the role of this variant in disease. Therefore, it has been classified as a Variant of Uncertain Significance.